The following is an entry in ClinVar:

ClinVar aggregate classification (germline): Uncertain significance (1 of 4 stars; one submission).

Submission:

Labcorp Genetics (formerly Invitae), Labcorp
Classification: Uncertain significance. Last evaluated: 2024-02-23. Review status: criteria provided, single submitter. Criteria: Invitae Variant Classification Sherloc (09022015). Collection method: clinical testing. Allele origin: germline.
Comment: This sequence change falls in intron 14 of the MERTK gene. It does not directly change the encoded amino acid sequence of the MERTK protein. It affects a nucleotide within the consensus splice site. This variant is not present in population databases (gnomAD no frequency). This variant has not been reported in the literature in individuals affected with MERTK-related conditions. ClinVar contains an entry for this variant (Variation ID: 1480986). Variants that disrupt the consensus splice site are a relatively common cause of aberrant splicing (PMID: 17576681, 9536098). Algorithms developed to predict the effect of sequence changes on RNA splicing suggest that this variant is not likely to affect RNA splicing. In summary, the available evidence is currently insufficient to determine the role of this variant in disease. Therefore, it has been classified as a Variant of Uncertain Significance.

Literature cited by the submitters: PubMed 17576681; PubMed 9536098.

NM_006343.3(MERTK):c.1961-3C>T

Gene: MERTK (MER proto-oncogene, tyrosine kinase; plus strand). Cytogenetic location: 2q13.
Variant type: single nucleotide variant.
Coding change: c.1961-3C>T on transcript NM_006343.3 (MANE Select); 3 bases into the intron before coding-DNA position 1961, C replaced by T.
Molecular consequence: intron variant.
Genome position (GRCh38, 1-based): chr2:112,009,945, C>T. VCF-style: chr2-112009945-C-T. GRCh37 (hg19) VCF-style: chr2-112767522-C-T.
Identifiers: ClinVar variation 1480986 (VCV001480986.6), dbSNP rs2104412964, ClinGen allele CA348233956.
Genomic context (GRCh38, chr2:112,009,945, plus strand): 5'-GAGGGCTTTTCTGGTCACAGTAACAAGGACTCTTTGTAATTGATGCTGTGTTTGTAATTT[C>T]AGGTGTGTGTATAGAAATGAGCTCTCAAGGCATCCCAAAGCCCATGGTAATTTTACCCTT-3'